The following is an entry in ClinVar:

ClinVar aggregate classification (germline): Uncertain significance (1 of 4 stars; one submission).

Submission:

Labcorp Genetics (formerly Invitae), Labcorp
Classification: Uncertain significance. Last evaluated: 2021-09-02. Review status: criteria provided, single submitter. Criteria: Invitae Variant Classification Sherloc (09022015). Collection method: clinical testing. Allele origin: germline.
Comment: This sequence change replaces aspartic acid with asparagine at codon 135 of the NEU1 protein (p.Asp135Asn). The aspartic acid residue is highly conserved and there is a small physicochemical difference between aspartic acid and asparagine. This variant is not present in population databases (ExAC no frequency). This missense change has been observed in individual(s) with sialidosis (PMID: 23291686). Algorithms developed to predict the effect of missense changes on protein structure and function are either unavailable or do not agree on the potential impact of this missense change (SIFT: "Deleterious"; PolyPhen-2: "Probably Damaging"; Align-GVGD: "Class C0"). In summary, the available evidence is currently insufficient to determine the role of this variant in disease. Therefore, it has been classified as a Variant of Uncertain Significance.

Literature cited by the submitters: PubMed 23291686.

NM_000434.4(NEU1):c.403G>A (p.Asp135Asn)

Gene: NEU1 (neuraminidase 1; minus strand). Cytogenetic location: 6p21.33.
Variant type: single nucleotide variant.
Coding change: c.403G>A on transcript NM_000434.4 (MANE Select); coding-DNA position 403, G replaced by A.
Protein change: p.Asp135Asn; replaces aspartic acid 135 with asparagine.
Molecular consequence: missense variant.
Genome position (GRCh38, 1-based): chr6:31,861,400, C>T on the plus strand (G>A on the coding strand, the complement: NEU1 is on the minus strand). VCF-style: chr6-31861400-C-T. GRCh37 (hg19) VCF-style: chr6-31829177-C-T.
Other names: short protein forms D135N.
Identifiers: ClinVar variation 1366801 (VCV001366801.5), dbSNP rs2151545620, ClinGen allele CA363494956.